The following is an entry in ClinVar:

ClinVar aggregate classification (germline): Uncertain significance (1 of 4 stars; one submission).

gnomAD v4.1: 1 of 1,613,964 alleles (0.000062%); highest among the groups gnomAD compares: Non-Finnish European, 0.000085%; no homozygotes.

Submission:

Labcorp Genetics (formerly Invitae), Labcorp
Classification: Uncertain significance. Last evaluated: 2024-06-02. Review status: criteria provided, single submitter. Criteria: Invitae Variant Classification Sherloc (09022015). Collection method: clinical testing. Allele origin: germline.
Comment: This sequence change replaces alanine, which is neutral and non-polar, with valine, which is neutral and non-polar, at codon 405 of the TTC37 protein (p.Ala405Val). This variant is not present in population databases (gnomAD no frequency). This variant has not been reported in the literature in individuals affected with TTC37-related conditions. An algorithm developed to predict the effect of missense changes on protein structure and function (PolyPhen-2) suggests that this variant is likely to be disruptive. In summary, the available evidence is currently insufficient to determine the role of this variant in disease. Therefore, it has been classified as a Variant of Uncertain Significance.

NM_014639.4(SKIC3):c.1214C>T (p.Ala405Val)

Gene: SKIC3 (SKI3 subunit of superkiller complex; minus strand). Cytogenetic location: 5q15.
Variant type: single nucleotide variant.
Coding change: c.1214C>T on transcript NM_014639.4 (MANE Select); coding-DNA position 1214, C replaced by T.
Protein change: p.Ala405Val; replaces alanine 405 with valine.
Molecular consequence: missense variant.
Genome position (GRCh38, 1-based): chr5:95,525,594, G>A on the plus strand (C>T on the coding strand, the complement: SKIC3 is on the minus strand). VCF-style: chr5-95525594-G-A. GRCh37 (hg19) VCF-style: chr5-94861298-G-A.
Other names: short protein forms A405V.
Identifiers: ClinVar variation 3690964 (VCV003690964.2).
Genomic context (GRCh38, chr5:95,525,594, plus strand): 5'-AAATAAAAATGCTTTTAACTCAAAAAATGCTCAGTTTGAATAAAAAAGCCAACCTTTGCA[G>A]CTTCATCAAATGAACCTTTGTTCCGATAGGCCAAGCTTTTGAGAACCAAAAGTCCTGGGA-3'
Protein context (NP_055454.1, residues 395-415): AYRNKGSFDE[Ala405Val]AKIMEDLLSS